The following is an entry in ClinVar:

ClinVar aggregate classification (germline): Uncertain significance (1 of 4 stars; one submission).

Conditions:
Cerebral cavernous malformation 3. Also called: Familial Cerebral Cavernous Malformation 3. Identifiers: Orphanet 221061, MedGen C1864040, MONDO:0011305, OMIM 603285.

Submission:

Labcorp Genetics (formerly Invitae), Labcorp
Classification: Uncertain significance for Cerebral cavernous malformation 3. Last evaluated: 2023-03-23. Review status: criteria provided, single submitter. Criteria: Invitae Variant Classification Sherloc (09022015). Collection method: clinical testing. Allele origin: germline.
Comment: This sequence change replaces alanine, which is neutral and non-polar, with aspartic acid, which is acidic and polar, at codon 135 of the PDCD10 protein (p.Ala135Asp). This variant is not present in population databases (gnomAD no frequency). This variant has not been reported in the literature in individuals affected with PDCD10-related conditions. An algorithm developed to predict the effect of missense changes on protein structure and function (PolyPhen-2) suggests that this variant is likely to be disruptive. In summary, the available evidence is currently insufficient to determine the role of this variant in disease. Therefore, it has been classified as a Variant of Uncertain Significance.

NM_007217.4(PDCD10):c.404C>A (p.Ala135Asp)

Gene: PDCD10 (programmed cell death 10; minus strand). Cytogenetic location: 3q26.1.
Variant type: single nucleotide variant.
Coding change: c.404C>A on transcript NM_007217.4 (MANE Select); coding-DNA position 404, C replaced by A.
Protein change: p.Ala135Asp; replaces alanine 135 with aspartic acid.
Molecular consequence: missense variant.
Genome position (GRCh38, 1-based): chr3:167,687,685, G>T on the plus strand (C>A on the coding strand, the complement: PDCD10 is on the minus strand). VCF-style: chr3-167687685-G-T. GRCh37 (hg19) VCF-style: chr3-167405473-G-T.
Other names: c.404C>A, p.Ala135Asp (NM_145859.2, NM_145860.2); short protein forms A135D.
Identifiers: ClinVar variation 2848902 (VCV002848902.3), dbSNP rs2475664921, ClinGen allele CA355154357.